The following is an entry in ClinVar:

ClinVar aggregate classification (germline): Uncertain significance (1 of 4 stars; one submission).

Allele frequency attached by ClinVar (database versions not stated): gnomAD 0.00001; TOPMed 0.00002.

Submission:

Labcorp Genetics (formerly Invitae), Labcorp
Classification: Uncertain significance. Last evaluated: 2021-12-24. Review status: criteria provided, single submitter. Criteria: Invitae Variant Classification Sherloc (09022015). Collection method: clinical testing. Allele origin: germline.
Comment: This sequence change replaces glycine, which is neutral and non-polar, with aspartic acid, which is acidic and polar, at codon 18 of the LRIT3 protein (p.Gly18Asp). This variant is not present in population databases (gnomAD no frequency). This variant has not been reported in the literature in individuals affected with LRIT3-related conditions. ClinVar contains an entry for this variant (Variation ID: 841947). Algorithms developed to predict the effect of missense changes on protein structure and function (SIFT, PolyPhen-2, Align-GVGD) all suggest that this variant is likely to be tolerated. In summary, the available evidence is currently insufficient to determine the role of this variant in disease. Therefore, it has been classified as a Variant of Uncertain Significance.

NM_198506.5(LRIT3):c.53G>A (p.Gly18Asp)

Gene: LRIT3 (leucine rich repeat, Ig-like and transmembrane domains 3; plus strand). Cytogenetic location: 4q25.
Variant type: single nucleotide variant.
Coding change: c.53G>A on transcript NM_198506.5 (MANE Select); coding-DNA position 53, G replaced by A.
Protein change: p.Gly18Asp; replaces glycine 18 with aspartic acid.
Molecular consequence: missense variant.
Genome position (GRCh38, 1-based): chr4:109,848,254, G>A. VCF-style: chr4-109848254-G-A. GRCh37 (hg19) VCF-style: chr4-110769410-G-A.
Other names: short protein forms G18D.
Identifiers: ClinVar variation 841947 (VCV000841947.8), dbSNP rs915167130, ClinGen allele CA103728429.
Genomic context (GRCh38, chr4:109,848,254, plus strand): 5'-AAGGAGCAATGCATCTCTTTGCATGTCTGTGCATTGTCCTTAGCTTTTTGGAAGGAGTGG[G>A]CTGTTTGTGTCCTTCACAGTGCACCTGTGATTATCACGGCAGAAATGACGGCTCAGGATC-3'
Protein context (NP_940908.3, residues 8-28): CIVLSFLEGV[Gly18Asp]CLCPSQCTCD